The following is an entry in ClinVar:

NM_001004334.4(GPR179):c.2614C>T (p.Arg872Trp)

Gene: GPR179 (G protein-coupled receptor 179; minus strand). Cytogenetic location: 17q12.
Variant type: single nucleotide variant.
Coding change: c.2614C>T on transcript NM_001004334.4 (MANE Select); coding-DNA position 2614, C replaced by T.
Protein change: p.Arg872Trp; replaces arginine 872 with tryptophan.
Molecular consequence: missense variant.
Genome position (GRCh38, 1-based): chr17:38,330,955, G>A on the plus strand (C>T on the coding strand, the complement: GPR179 is on the minus strand). VCF-style: chr17-38330955-G-A. GRCh37 (hg19) VCF-style: chr17-36486838-G-A.
Other names: c.2614C>T (NM_001004334.3); short protein forms R872W.
Identifiers: ClinVar variation 1631585 (VCV001631585.10), dbSNP rs202156315, ClinGen allele CA290105687.

ClinVar aggregate classification (germline): Likely benign. Review status: criteria provided, multiple submitters, no conflicts (2 of 4 stars). 3 submissions from 3 submitters: Likely benign (3). Last evaluated 2025-11-22.

Conditions:
GPR179-related disorder. Also called: GPR179-related condition.

Allele frequency attached by ClinVar (database versions not stated): gnomAD exomes 0.00031; ExAC 0.00053; 1000 Genomes Project 30x 0.00062; 1000 Genomes Project 0.00080; TOPMed 0.00119; gnomAD 0.00120 and 0.00133; ESP Exome Variant Server 0.00168.

Submissions (3):

Labcorp Genetics (formerly Invitae), Labcorp
Classification: Likely benign. Last evaluated: 2025-11-22. Review status: criteria provided, single submitter. Criteria: Invitae Variant Classification Sherloc (09022015). Collection method: clinical testing. Allele origin: germline.

PreventionGenetics, part of Exact Sciences
Classification: Likely benign for GPR179-related condition. Last evaluated: 2024-11-11. Review status: criteria provided, single submitter. Criteria: ACMG Guidelines, 2015. Collection method: clinical testing. Allele origin: germline.
Comment: This variant is classified as likely benign based on ACMG/AMP sequence variant interpretation guidelines (Richards et al. 2015 PMID: 25741868, with internal and published modifications).

Blueprint Genetics
Classification: Likely benign. Last evaluated: 2024-10-18. Review status: criteria provided, single submitter. Criteria: ACMG Guidelines, 2015. Collection method: clinical testing. Allele origin: germline.